The following is an entry in ClinVar:

ClinVar aggregate classification (germline): Uncertain significance (1 of 4 stars; one submission).

gnomAD v4.1: 1 of 1,614,112 alleles (0.000062%); no homozygotes.

Submission:

Center for Genomics, Ann and Robert H. Lurie Children's Hospital of Chicago
Classification: Uncertain significance. Last evaluated: 2021-03-30. Review status: criteria provided, single submitter. Criteria: ACMG Guidelines, 2015. Collection method: clinical testing. Allele origin: germline.
Comment: TNFRSF17 NM_001192.2 exon 1 p.Gly6Arg (c.16G>C): This variant has not been reported in the literature and is not present in large control databases. This variant amino acid Arginine (Arg) is present in 6 primate species and is not well conserved among evolutionarily distant species; this suggests that this variant may not impact the protein. Additional computational prediction tools do not suggest an impact. In summary, data on this variant is insufficient for disease classification. Therefore, the clinical significance of this variant is uncertain.

NM_001192.3(TNFRSF17):c.16G>C (p.Gly6Arg)

Genes: NPIPB2 (nuclear pore complex interacting protein family member B2; minus strand), TNFRSF17 (TNF receptor superfamily member 17; plus strand), LOC130058515 (ATAC-STARR-seq lymphoblastoid active region 10462; plus strand). Cytogenetic location: 16p13.13.
Variant type: single nucleotide variant.
Coding change: c.16G>C on transcript NM_001192.3 (MANE Select); coding-DNA position 16, G replaced by C.
Protein change: p.Gly6Arg; replaces glycine 6 with arginine.
Molecular consequence: missense variant.
Genome position (GRCh38, 1-based): chr16:11,965,340, G>C. VCF-style: chr16-11965340-G-C. GRCh37 (hg19) VCF-style: chr16-12059197-G-C.
Other names: short protein forms G6R.
Identifiers: ClinVar variation 992503 (VCV000992503.2), dbSNP rs2055184890, ClinGen allele CA394793250.
Genomic context (GRCh38, chr16:11,965,340, plus strand): 5'-TCCAGGCTGTTCTTTCTGTAGCTCCCTTGTTTTCTTTTTGTGATCATGTTGCAGATGGCT[G>C]GGCAGTGCTCCCAAAATGAATATTTTGACAGTTTGTTGCATGCTTGCATACCTTGTCAAC-3'
Protein context (NP_001183.2, residues 1-16): MLQMA[Gly6Arg]QCSQNEYFDS